The following is an entry in ClinVar:

ClinVar aggregate classification (germline): Benign/Likely benign. Review status: criteria provided, multiple submitters, no conflicts (2 of 4 stars). 18 submissions from 18 submitters: Benign (9); Likely benign (2). 7 of the submissions do not count toward it. Last evaluated 2026-02-04.

Conditions:
Cardiovascular phenotype. Identifiers: MedGen CN230736.
Danon disease. Also called: ANTOPOL DISEASE; PSEUDOGLYCOGENOSIS II; GSD IIb; LYSOSOMAL GLYCOGEN STORAGE DISEASE WITHOUT ACID MALTASE DEFICIENCY; Glycogen Storage Disease Type IIb. Identifiers: Orphanet 34587, MedGen C0878677, MONDO:0010281, OMIM 300257.
Hypertrophic cardiomyopathy. Also called: HYPERTROPHIC MYOCARDIOPATHY. Identifiers: Orphanet 217569, MedGen C0007194, MeSH D002312, MONDO:0005045, HP:0001639.

Allele frequency attached by ClinVar (database versions not stated): 1000 Genomes Project 30x 0.01207; 1000 Genomes Project 0.01325; TOPMed 0.02456; gnomAD 0.02676 and 0.02702; gnomAD exomes 0.02697 and 0.03502; ExAC 0.02746; ESP Exome Variant Server 0.02869.
gnomAD v4.1: 41,101 of 1,203,141 alleles (3.4%); highest among the groups gnomAD compares: Middle Eastern, 4.4%; 591 homozygotes.

Submissions (18):

Labcorp Genetics (formerly Invitae), Labcorp
Classification: Benign for Danon disease. Last evaluated: 2026-02-04. Review status: criteria provided, single submitter. Criteria: Invitae Variant Classification Sherloc (09022015). Collection method: clinical testing. Allele origin: germline.

ARUP Laboratories, Molecular Genetics and Genomics, ARUP Laboratories
Classification: Benign for Danon disease. Last evaluated: 2025-06-23. Review status: criteria provided, single submitter. Criteria: ARUP Molecular Germline Variant Investigation Process 2024. Collection method: clinical testing. Allele origin: germline.

Molecular Diagnostic Laboratory for Inherited Cardiovascular Disease, Montreal Heart Institute
Classification: Benign. Last evaluated: 2025-04-09. Review status: criteria provided, single submitter. Criteria: ACMG Guidelines, 2015. Collection method: clinical testing. Allele origin: germline. Affected: no.

Blueprint Genetics
Classification: Likely benign. Last evaluated: 2024-11-28. Review status: criteria provided, single submitter. Criteria: ACMG Guidelines, 2015. Collection method: clinical testing. Allele origin: germline.

Illumina Laboratory Services, Illumina
Classification: Benign for Danon disease. Last evaluated: 2018-01-12. Review status: criteria provided, single submitter. Criteria: ICSL Variant Classification Criteria 13 December 2019. Collection method: clinical testing. Allele origin: germline.
Comment: This variant was observed in the ICSL laboratory as part of a predisposition screen in an ostensibly healthy population. It had not been previously curated by ICSL or reported in the Human Gene Mutation Database (HGMD: prior to June 1st, 2018), and was therefore a candidate for classification through an automated scoring system. Utilizing variant allele frequency, disease prevalence and penetrance estimates, and inheritance mode, an automated score was calculated to assess if this variant is too frequent to cause the disease. Based on the score and internal cut-off values, a variant classified as benign is not then subjected to further curation. The score for this variant resulted in a classification of benign for this disease.

Eurofins Ntd Llc (ga)
Classification: Benign. Last evaluated: 2016-06-07. Review status: criteria provided, single submitter. Criteria: EGL Classification Definitions 2015. Collection method: clinical testing. Allele origin: germline. Observed: 1 variant allele, 1 hemizygote.

Ambry Genetics
Classification: Benign for Cardiovascular phenotype. Last evaluated: 2015-07-20. Review status: criteria provided, single submitter. Criteria: Ambry Variant Classification Scheme 2023. Collection method: clinical testing. Allele origin: germline.

GeneDx
Classification: Benign. Last evaluated: 2015-03-03. Review status: criteria provided, single submitter. Criteria: GeneDx Variant Classification Process June 2021. Collection method: clinical testing. Allele origin: germline. Affected: yes.

Laboratory for Molecular Medicine, Mass General Brigham Personalized Medicine
Classification: Benign. Last evaluated: 2011-06-09. Review status: criteria provided, single submitter. Criteria: LMM Criteria. Collection method: clinical testing. Allele origin: germline. Observed: 216 variant alleles.
Comment: This variant is classified as benign based on its high frequency in the general population (3%; LMM unpublished data).

Breakthrough Genomics
Classification: Likely benign. Review status: criteria provided, single submitter. Criteria: ACMG Guidelines, 2015. Collection method: not provided. Allele origin: germline. Inheritance: X-linked inheritance. Affected: yes.

PreventionGenetics, part of Exact Sciences
Classification: Benign. Review status: criteria provided, single submitter. Criteria: ACMG Guidelines, 2015. Collection method: clinical testing. Allele origin: germline.

Cohesion Phenomics
Classification: Likely benign for Hypertrophic Cardiomyopathy. Last evaluated: 2022-09-29. Review status: no assertion criteria provided. Criteria: ACMG Guidelines, 2015. Collection method: clinical testing. Allele origin: germline. Affected: yes. Not counted in ClinVar's aggregate classification.

Mayo Clinic Laboratories, Mayo Clinic
Classification: Benign. Last evaluated: 2015-10-20. Review status: no assertion criteria provided. Collection method: clinical testing. Allele origin: unknown. Not counted in ClinVar's aggregate classification.

Clinical Genetics DNA and cytogenetics Diagnostics Lab, Erasmus MC, Erasmus Medical Center
Classification: Benign. Review status: no assertion criteria provided. Collection method: clinical testing. Allele origin: germline. Affected: yes. Study: VKGL Data-share Consensus. Not counted in ClinVar's aggregate classification.

Clinical Genetics, Academic Medical Center
Classification: Benign. Review status: no assertion criteria provided. Collection method: clinical testing. Allele origin: germline. Affected: yes. Study: VKGL Data-share Consensus. Not counted in ClinVar's aggregate classification.

Diagnostic Laboratory, Department of Genetics, University Medical Center Groningen
Classification: Likely benign for Danon disease. Review status: no assertion criteria provided. Collection method: clinical testing. Allele origin: germline. Affected: yes. Study: VKGL Data-share Consensus. Not counted in ClinVar's aggregate classification.

Genome Diagnostics Laboratory, University Medical Center Utrecht
Classification: Benign. Review status: no assertion criteria provided. Collection method: clinical testing. Allele origin: germline. Affected: yes. Study: VKGL Data-share Consensus. Not counted in ClinVar's aggregate classification.

Joint Genome Diagnostic Labs from Nijmegen and Maastricht, Radboudumc and MUMC+
Classification: Benign. Review status: no assertion criteria provided. Collection method: clinical testing. Allele origin: germline. Affected: yes. Study: VKGL Data-share Consensus. Not counted in ClinVar's aggregate classification.

NM_002294.3(LAMP2):c.927C>T (p.Ser309=)

Gene: LAMP2 (lysosome associated membrane protein 2; minus strand). Cytogenetic location: Xq24.
Variant type: single nucleotide variant.
Coding change: c.927C>T on transcript NM_002294.3 (MANE Select); coding-DNA position 927, C replaced by T.
Protein change: p.Ser309=; no amino-acid change (serine 309 retained).
Molecular consequence: synonymous variant.
Genome position (GRCh38, 1-based): chrX:120,442,600, G>A on the plus strand (C>T on the coding strand, the complement: LAMP2 is on the minus strand). VCF-style: chrX-120442600-G-A. GRCh37 (hg19) VCF-style: chrX-119576455-G-A.
Other names: c.927C>T, p.Ser309= (NM_001122606.1, NM_013995.2).
Identifiers: ClinVar variation 44445 (VCV000044445.50), dbSNP rs73219144, ClinGen allele CA134214.